The following is an entry in ClinVar:

ClinVar aggregate classification (germline): Benign. Review status: criteria provided, multiple submitters, no conflicts (2 of 4 stars). 5 submissions from 5 submitters: Benign (5). Last evaluated 2026-01-26.

Conditions:
Methylmalonic acidemia with homocystinuria, type cblX (MAHCX). Also called: INTELLECTUAL DEVELOPMENTAL DISORDER, X-LINKED 3. Identifiers: Orphanet 369962, MedGen C0796208, MONDO:0010657, OMIM 309541.

Allele frequency attached by ClinVar (database versions not stated): gnomAD exomes 0.00052 and 0.00132; ExAC 0.00159; 1000 Genomes Project 0.00424; 1000 Genomes Project 30x 0.00458; gnomAD 0.00509 and 0.00544; ESP Exome Variant Server 0.00545; TOPMed 0.00567.
gnomAD v4.1: 1,138 of 1,209,010 alleles (0.094%); highest among the groups gnomAD compares: African/African-American, 1.8%; 6 homozygotes.

Submissions (5):

Labcorp Genetics (formerly Invitae), Labcorp
Classification: Benign for Methylmalonic acidemia with homocystinuria, type cblX. Last evaluated: 2026-01-26. Review status: criteria provided, single submitter. Criteria: Invitae Variant Classification Sherloc (09022015). Collection method: clinical testing. Allele origin: germline.

Mayo Clinic Laboratories, Mayo Clinic
Classification: Benign. Last evaluated: 2025-01-20. Review status: criteria provided, single submitter. Criteria: ACMG Guidelines, 2015. Collection method: clinical testing. Allele origin: germline. Observed: 1 variant allele.
Comment: BS1, BS2, BP4, BP7

ARUP Laboratories, Molecular Genetics and Genomics, ARUP Laboratories
Classification: Benign for Methylmalonic acidemia with homocystinuria, type cblX. Last evaluated: 2023-09-08. Review status: criteria provided, single submitter. Criteria: ARUP Molecular Germline Variant Investigation Process 2024. Collection method: clinical testing. Allele origin: germline.

GeneDx
Classification: Benign. Last evaluated: 2016-03-21. Review status: criteria provided, single submitter. Criteria: GeneDx Variant Classification (06012015). Collection method: clinical testing. Allele origin: germline. Affected: yes.
Comment: This variant is considered likely benign or benign based on one or more of the following criteria: it is a conservative change, it occurs at a poorly conserved position in the protein, it is predicted to be benign by multiple in silico algorithms, and/or has population frequency not consistent with disease.

Breakthrough Genomics
Classification: Benign. Review status: criteria provided, single submitter. Criteria: ACMG Guidelines, 2015. Collection method: not provided. Allele origin: germline. Inheritance: X-linked inheritance. Affected: yes.

NM_005334.3(HCFC1):c.1445-14C>T

Gene: HCFC1 (host cell factor C1; minus strand). Cytogenetic location: Xq28.
Variant type: single nucleotide variant.
Coding change: c.1445-14C>T on transcript NM_005334.3 (MANE Select); 14 bases into the intron before coding-DNA position 1445, C replaced by T.
Molecular consequence: intron variant.
Genome position (GRCh38, 1-based): chrX:153,959,505, G>A on the plus strand (C>T on the coding strand, the complement: HCFC1 is on the minus strand). VCF-style: chrX-153959505-G-A. GRCh37 (hg19) VCF-style: chrX-153224956-G-A.
Other names: p.?.
Identifiers: ClinVar variation 382787 (VCV000382787.11), dbSNP rs184593569, ClinGen allele CA10557496.